The following is an entry in ClinVar:

NM_003676.4(DEGS1):c.708C>G (p.Phe236Leu)

Gene: DEGS1 (delta 4-desaturase, sphingolipid 1; plus strand). Cytogenetic location: 1q42.11.
Variant type: single nucleotide variant.
Coding change: c.708C>G on transcript NM_003676.4 (MANE Select); coding-DNA position 708, C replaced by G.
Protein change: p.Phe236Leu; replaces phenylalanine 236 with leucine.
Molecular consequence: missense variant.
Genome position (GRCh38, 1-based): chr1:224,190,202, C>G. VCF-style: chr1-224190202-C-G. GRCh37 (hg19) VCF-style: chr1-224377904-C-G.
Other names: c.708C>G, p.Phe236Leu (NM_001321541.2); c.600C>G, p.Phe200Leu (NM_001321542.2); c.708C>G (NM_003676.2); short protein forms F200L, F236L.
Identifiers: ClinVar variation 1041652 (VCV001041652.5), dbSNP rs146461576, ClinGen allele CA1413671.

ClinVar aggregate classification (germline): Uncertain significance. Review status: criteria provided, multiple submitters, no conflicts (2 of 4 stars). 2 submissions from 2 submitters: Uncertain significance (2). Last evaluated 2025-08-11.

Conditions:
Inborn genetic diseases. Identifiers: MedGen C0950123, MeSH D030342.

Allele frequency attached by ClinVar (database versions not stated): TOPMed 0.00020; gnomAD 0.00029 and 0.00032; ExAC 0.00008; ESP Exome Variant Server 0.00015.
gnomAD v4.1: 245 of 1,541,886 alleles (0.016%); highest among the groups gnomAD compares: Admixed American, 0.12%; no homozygotes.

Submissions (2):

Ambry Genetics
Classification: Uncertain significance for Inborn genetic diseases. Last evaluated: 2025-08-11. Review status: criteria provided, single submitter. Criteria: Ambry Variant Classification Scheme 2023. Collection method: clinical testing. Allele origin: germline.

Labcorp Genetics (formerly Invitae), Labcorp
Classification: Uncertain significance. Last evaluated: 2021-12-03. Review status: criteria provided, single submitter. Criteria: Invitae Variant Classification Sherloc (09022015). Collection method: clinical testing. Allele origin: germline.
Comment: This sequence change replaces phenylalanine, which is neutral and non-polar, with leucine, which is neutral and non-polar, at codon 236 of the DEGS1 protein (p.Phe236Leu). This variant is present in population databases (rs146461576, gnomAD 0.09%). This variant has not been reported in the literature in individuals affected with DEGS1-related conditions. ClinVar contains an entry for this variant (Variation ID: 1041652). Algorithms developed to predict the effect of missense changes on protein structure and function are either unavailable or do not agree on the potential impact of this missense change (SIFT: "Deleterious"; PolyPhen-2: "Benign"; Align-GVGD: "Class C15"). In summary, the available evidence is currently insufficient to determine the role of this variant in disease. Therefore, it has been classified as a Variant of Uncertain Significance.